The following is an entry in ClinVar:

ClinVar aggregate classification (germline): Uncertain significance. Review status: criteria provided, multiple submitters, no conflicts (2 of 4 stars). 3 submissions from 3 submitters: Uncertain significance (3). Last evaluated 2024-01-03.

Conditions:
Nephrolithiasis susceptibility caused by SLC26A1 (CAON1). Also called: NEPHROLITHIASIS, CALCIUM OXALATE, 1. Identifiers: MedGen C5779632, MONDO:0020722, OMIM 167030.
Hypersulfaturia (HYSULF). Identifiers: MedGen C5830511, MONDO:0957268, OMIM 620372.
Inborn genetic diseases. Identifiers: MedGen C0950123, MeSH D030342.

Allele frequency attached by ClinVar (database versions not stated): gnomAD 0.00008; gnomAD exomes 0.00008; ExAC 0.00016.
gnomAD v4.1: 71 of 1,598,504 alleles (0.0044%); highest among the groups gnomAD compares: Middle Eastern, 0.017%; no homozygotes.

Submissions (3):

Fulgent Genetics
Classification: Uncertain significance for Nephrolithiasis susceptibility caused by SLC26A1; Hypersulfaturia. Last evaluated: 2024-01-03. Review status: criteria provided, single submitter. Criteria: ACMG Guidelines, 2015. Collection method: clinical testing. Allele origin: germline.

Ambry Genetics
Classification: Uncertain significance for Inborn genetic diseases. Last evaluated: 2022-12-27. Review status: criteria provided, single submitter. Criteria: Ambry Variant Classification Scheme 2023. Collection method: clinical testing. Allele origin: germline.

Labcorp Genetics (formerly Invitae), Labcorp
Classification: Uncertain significance. Last evaluated: 2021-10-16. Review status: criteria provided, single submitter. Criteria: Invitae Variant Classification Sherloc (09022015). Collection method: clinical testing. Allele origin: germline.
Comment: In summary, the available evidence is currently insufficient to determine the role of this variant in disease. Therefore, it has been classified as a Variant of Uncertain Significance. This sequence change replaces arginine with glutamine at codon 688 of the SLC26A1 protein (p.Arg688Gln). The arginine residue is moderately conserved and there is a small physicochemical difference between arginine and glutamine. This variant is present in population databases (rs148726880, ExAC 0.03%). This variant has not been reported in the literature in individuals affected with SLC26A1-related conditions. Algorithms developed to predict the effect of missense changes on protein structure and function output the following: SIFT: "Tolerated"; PolyPhen-2: "Benign"; Align-GVGD: "Class C0". The glutamine amino acid residue is found in multiple mammalian species, which suggests that this missense change does not adversely affect protein function.

NM_022042.4(SLC26A1):c.2063G>A (p.Arg688Gln)

Genes: SLC26A1 (solute carrier family 26 member 1; minus strand), IDUA (alpha-L-iduronidase; plus strand). Cytogenetic location: 4p16.3.
Variant type: single nucleotide variant.
Coding change: c.2063G>A on transcript NM_022042.4 (MANE Select); coding-DNA position 2063, G replaced by A.
Protein change: p.Arg688Gln; replaces arginine 688 with glutamine.
Molecular consequence: missense variant. On other transcripts: intron variant (2).
Genome position (GRCh38, 1-based): chr4:988,876, C>T on the plus strand (G>A on the coding strand, the complement: SLC26A1 is on the minus strand). VCF-style: chr4-988876-C-T. GRCh37 (hg19) VCF-style: chr4-982664-C-T.
Other names: c.2063G>A (NM_213613.2); c.2063G>A, p.Arg688Gln (NM_213613.4); c.576+2252G>A (NM_134425.4); c.299+927C>T (NM_000203.5); short protein forms R688Q.
Identifiers: ClinVar variation 1443863 (VCV001443863.9), dbSNP rs148726880, ClinGen allele CA2801187.
Genomic context (GRCh38, chr4:988,876, plus strand): 5'-GGGCAGGCCTGGCCCTGCTACAGATGGGCATCGGTGGCCTCCAGCTCCCTGTGGCGGGCT[C>T]GTGCTGTCTGCACGGCATCGTGCACACTGAGGAACAGCTGCTCCTCCTCAGCCGTGTCCC-3'
Protein context (NP_071325.2, residues 678-698): LSVHDAVQTA[Arg688Gln]ARHRELEATD